The following is an entry in ClinVar:

NM_014252.4(SLC25A15):c.350C>T (p.Ser117Phe)

Gene: SLC25A15 (solute carrier family 25 member 15; plus strand). Cytogenetic location: 13q14.11.
Variant type: single nucleotide variant.
Coding change: c.350C>T on transcript NM_014252.4 (MANE Select); coding-DNA position 350, C replaced by T.
Protein change: p.Ser117Phe; replaces serine 117 with phenylalanine.
Molecular consequence: missense variant.
Genome position (GRCh38, 1-based): chr13:40,805,153, C>T. VCF-style: chr13-40805153-C-T. GRCh37 (hg19) VCF-style: chr13-41379289-C-T.
Other names: short protein forms S117F.
Identifiers: ClinVar variation 4697205 (VCV004697205.1).

ClinVar aggregate classification (germline): Uncertain significance (1 of 4 stars; one submission).

Conditions:
Hyperornithinemia-hyperammonemia-homocitrullinuria syndrome (HHHS). Also called: Ornithine translocase deficiency; HHH SYNDROME. Identifiers: Orphanet 415, MedGen C0268540, MONDO:0009393, OMIM 238970.

Submission:

Labcorp Genetics (formerly Invitae), Labcorp
Classification: Uncertain significance for Hyperornithinemia-hyperammonemia-homocitrullinuria syndrome. Last evaluated: 2025-09-17. Review status: criteria provided, single submitter. Criteria: Invitae Variant Classification Sherloc (09022015). Collection method: clinical testing. Allele origin: germline.
Comment: This sequence change replaces serine, which is neutral and polar, with phenylalanine, which is neutral and non-polar, at codon 117 of the SLC25A15 protein (p.Ser117Phe). This variant is not present in population databases (gnomAD no frequency). This variant has not been reported in the literature in individuals affected with SLC25A15-related conditions. Invitae Evidence Modeling of protein sequence and biophysical properties (such as structural, functional, and spatial information, amino acid conservation, physicochemical variation, residue mobility, and thermodynamic stability) indicates that this missense variant is expected to disrupt SLC25A15 protein function with a positive predictive value of 95%. In summary, the available evidence is currently insufficient to determine the role of this variant in disease. Therefore, it has been classified as a Variant of Uncertain Significance.